The following is an entry in ClinVar:

ClinVar aggregate classification (germline): Uncertain significance (1 of 4 stars; one submission).

Conditions:
Beckwith-Wiedemann syndrome (BWS). Also called: Exomphalos macroglossia gigantism syndrome; EMG SYNDROME. Identifiers: Orphanet 116, MedGen C0004903, MONDO:0007534, OMIM 130650.

Submission:

Labcorp Genetics (formerly Invitae), Labcorp
Classification: Uncertain significance for Beckwith-Wiedemann syndrome. Last evaluated: 2022-02-20. Review status: criteria provided, single submitter. Criteria: Invitae Variant Classification Sherloc (09022015). Collection method: clinical testing. Allele origin: germline.
Comment: In summary, the available evidence is currently insufficient to determine the role of this variant in disease. Therefore, it has been classified as a Variant of Uncertain Significance. Algorithms developed to predict the effect of missense changes on protein structure and function are either unavailable or do not agree on the potential impact of this missense change (SIFT: "Deleterious"; PolyPhen-2: "Not Available"; Align-GVGD: "Class C0"). This variant has not been reported in the literature in individuals affected with CDKN1C-related conditions. This variant is not present in population databases (gnomAD no frequency). This sequence change replaces alanine, which is neutral and non-polar, with threonine, which is neutral and polar, at codon 251 of the CDKN1C protein (p.Ala251Thr).

NM_001122630.2(CDKN1C):c.718G>A (p.Ala240Thr)

Gene: CDKN1C (cyclin dependent kinase inhibitor 1C; minus strand). Cytogenetic location: 11p15.4.
Variant type: single nucleotide variant.
Coding change: c.718G>A on transcript NM_001122630.2 (MANE Select); coding-DNA position 718, G replaced by A.
Protein change: p.Ala240Thr; replaces alanine 240 with threonine.
Molecular consequence: missense variant. On other transcripts: intron variant (1).
Genome position (GRCh38, 1-based): chr11:2,884,739, C>T on the plus strand (G>A on the coding strand, the complement: CDKN1C is on the minus strand). VCF-style: chr11-2884739-C-T. GRCh37 (hg19) VCF-style: chr11-2905969-C-T.
Other names: c.751G>A, p.Ala251Thr (NM_000076.2, NM_001362474.2); c.718G>A, p.Ala240Thr (NM_001122631.2); c.255+463G>A (NM_001362475.2); short protein forms A251T, A240T.
Identifiers: ClinVar variation 1932514 (VCV001932514.5), dbSNP rs1848920240, ClinGen allele CA379145652.